The following is an entry in ClinVar:

NM_001042492.3(NF1):c.6906G>T (p.Gln2302His)

Gene: NF1 (neurofibromin 1; plus strand). Cytogenetic location: 17q11.2.
Variant type: single nucleotide variant.
Coding change: c.6906G>T on transcript NM_001042492.3 (MANE Select); coding-DNA position 6906, G replaced by T.
Protein change: p.Gln2302His; replaces glutamine 2302 with histidine.
Molecular consequence: missense variant.
Genome position (GRCh38, 1-based): chr17:31,338,790, G>T. VCF-style: chr17-31338790-G-T. GRCh37 (hg19) VCF-style: chr17-29665808-G-T.
Other names: c.6843G>T, p.Gln2281His (NM_000267.4); short protein forms Q2281H, Q2302H.
Identifiers: ClinVar variation 1755750 (VCV001755750.4), dbSNP rs1333226474, ClinGen allele CA399014425.
Genomic context (GRCh38, chr17:31,338,790, plus strand): 5'-TGACACTTACAACAGTCAAGTTCTGATAGAAGCTACAGTAATAGCACTAACCAAATTACA[G>T]CCACTTCTTAATAAGGTAATTACTGTATAGAAAATGAGTGCATTCATTTTGGGTATCAGT-3'
Protein context (NP_001035957.1, residues 2292-2312): EATVIALTKL[Gln2302His]PLLNKDSPLH

ClinVar aggregate classification (germline): Uncertain significance. Review status: criteria provided, multiple submitters, no conflicts (2 of 4 stars). 2 submissions from 2 submitters: Uncertain significance (2). Last evaluated 2024-09-22.

Conditions:
Cardiovascular phenotype. Identifiers: MedGen CN230736.
Hereditary cancer-predisposing syndrome. Also called: Neoplastic Syndromes, Hereditary; Tumor predisposition; Hereditary neoplastic syndrome; Hereditary Cancer Syndrome. Identifiers: Orphanet 140162, MedGen C0027672, MeSH D009386, MONDO:0015356.
Neurofibromatosis, type 1 (NF1). Also called: Peripheral type neurofibromatosis; VON RECKLINGHAUSEN DISEASE; NEUROFIBROMATOSIS, TYPE I, SOMATIC; Neurofibromatosis, type I. Identifiers: Orphanet 636, MedGen C0027831, MONDO:0018975, OMIM 162200. Disease mechanism: loss of function.

Allele frequency attached by ClinVar (database versions not stated): gnomAD exomes below 0.00001.
gnomAD v4.1: 2 of 1,608,782 alleles (0.00012%); highest among the groups gnomAD compares: East Asian, 0.0045%; no homozygotes.

Submissions (2):

Labcorp Genetics (formerly Invitae), Labcorp
Classification: Uncertain significance for Neurofibromatosis, type 1. Last evaluated: 2024-09-22. Review status: criteria provided, single submitter. Criteria: Invitae Variant Classification Sherloc (09022015). Collection method: clinical testing. Allele origin: germline.
Comment: This sequence change replaces glutamine, which is neutral and polar, with histidine, which is basic and polar, at codon 2281 of the NF1 protein (p.Gln2281His). This variant is present in population databases (no rsID available, gnomAD 0.006%). This variant has not been reported in the literature in individuals affected with NF1-related conditions. ClinVar contains an entry for this variant (Variation ID: 1755750). Invitae Evidence Modeling of protein sequence and biophysical properties (such as structural, functional, and spatial information, amino acid conservation, physicochemical variation, residue mobility, and thermodynamic stability) indicates that this missense variant is not expected to disrupt NF1 protein function with a negative predictive value of 95%. In summary, the available evidence is currently insufficient to determine the role of this variant in disease. Therefore, it has been classified as a Variant of Uncertain Significance.

Ambry Genetics
Classification: Uncertain significance for Cardiovascular phenotype; Hereditary cancer-predisposing syndrome. Last evaluated: 2023-10-04. Review status: criteria provided, single submitter. Criteria: Ambry Variant Classification Scheme 2023. Collection method: clinical testing. Allele origin: germline.
Comment: The p.Q2281H variant (also known as c.6843G>T), located in coding exon 45 of the NF1 gene, results from a G to T substitution at nucleotide position 6843. The glutamine at codon 2281 is replaced by histidine, an amino acid with highly similar properties. This amino acid position is highly conserved in available vertebrate species. In addition, the in silico prediction for this alteration is inconclusive. Since supporting evidence is limited at this time, the clinical significance of this alteration remains unclear.